The following is an entry in ClinVar:

NM_001184880.2(PCDH19):c.1040A>C (p.Asn347Thr)

Gene: PCDH19 (protocadherin 19; minus strand). Cytogenetic location: Xq22.1.
Variant type: single nucleotide variant.
Coding change: c.1040A>C on transcript NM_001184880.2 (MANE Select); coding-DNA position 1040, A replaced by C.
Protein change: p.Asn347Thr; replaces asparagine 347 with threonine.
Molecular consequence: missense variant.
Genome position (GRCh38, 1-based): chrX:100,407,558, T>G on the plus strand (A>C on the coding strand, the complement: PCDH19 is on the minus strand). VCF-style: chrX-100407558-T-G. GRCh37 (hg19) VCF-style: chrX-99662556-T-G.
Other names: c.1040A>C, p.Asn347Thr (NM_001105243.2, NM_020766.3); short protein forms N347T.
Identifiers: ClinVar variation 838428 (VCV000838428.10), dbSNP rs755904886, ClinGen allele CA10468928.

ClinVar aggregate classification (germline): Uncertain significance (1 of 4 stars; one submission).

Conditions:
Developmental and epileptic encephalopathy, 9 (DEE9). Also called: EPILEPSY, FEMALE-RESTRICTED, WITH MENTAL RETARDATION; Early infantile epileptic encephalopathy 9; JUBERG-HELLMAN SYNDROME; PCDH19-Related X-Linked Female-Limited Epilepsy with Mental Retardation. Identifiers: Orphanet 101039, Orphanet 2076, MedGen C1848137, MONDO:0010246, OMIM 300088. Disease mechanism: loss of function.

Allele frequency attached by ClinVar (database versions not stated): ExAC 0.00001; gnomAD exomes 0.00001.
gnomAD v4.1: 3 of 1,211,192 alleles (0.00025%); highest among the groups gnomAD compares: Admixed American, 0.0043%; no homozygotes.

Submission:

Labcorp Genetics (formerly Invitae), Labcorp
Classification: Uncertain significance for Developmental and epileptic encephalopathy, 9. Last evaluated: 2024-04-22. Review status: criteria provided, single submitter. Criteria: Invitae Variant Classification Sherloc (09022015). Collection method: clinical testing. Allele origin: germline.
Comment: This sequence change replaces asparagine, which is neutral and polar, with threonine, which is neutral and polar, at codon 347 of the PCDH19 protein (p.Asn347Thr). This variant is present in population databases (rs755904886, gnomAD 0.008%). This variant has not been reported in the literature in individuals affected with PCDH19-related conditions. ClinVar contains an entry for this variant (Variation ID: 838428). Advanced modeling of protein sequence and biophysical properties (such as structural, functional, and spatial information, amino acid conservation, physicochemical variation, residue mobility, and thermodynamic stability) performed at Invitae indicates that this missense variant is not expected to disrupt PCDH19 protein function with a negative predictive value of 95%. In summary, the available evidence is currently insufficient to determine the role of this variant in disease. Therefore, it has been classified as a Variant of Uncertain Significance.